The following is an entry in ClinVar:

ClinVar aggregate classification (germline): Pathogenic (1 of 4 stars; one submission).

Conditions:
Scoliosis, isolated, susceptibility to, 1 (IS1). Also called: ADOLESCENT ISOLATED SCOLIOSIS. Identifiers: MedGen C2700406, MONDO:0008419, OMIM 181800.

Submission:

Dr. Orhan Ocalgiray Molecular Biology-Biotechnology and Genetics Research Centre (MOBGAM), Istanbul Technical University
Classification: Pathogenic for Scoliosis, isolated, susceptibility to, 1. Review status: criteria provided, single submitter. Criteria: ACMG Guidelines, 2015. Collection method: research. Allele origin: germline. Inheritance: Autosomal dominant inheritance. Affected: yes. Observed: 1 heterozygote.
Comment: The POC5 variant p.Ala429Val has been previously reported as a susceptibility factor for isolated scoliosis with reduced penetrance. It is relatively rare in South Asian populations (SAS freq 0.004622) and has a moderate CADD score of 11.5. Given the prior literature support, known role of POC5 in centriole function, and partial segregation, the variant is best classified as pathogenic under a reduced penetrance autosomal dominant model (oligogenic).

NM_001099271.2(POC5):c.1211C>T (p.Ser404Leu)

Gene: POC5 (POC5 centriolar protein; minus strand). Cytogenetic location: 5q13.3.
Variant type: single nucleotide variant.
Coding change: c.1211C>T on transcript NM_001099271.2 (MANE Select); coding-DNA position 1211, C replaced by T.
Protein change: p.Ser404Leu; replaces serine 404 with leucine.
Molecular consequence: missense variant.
Genome position (GRCh38, 1-based): chr5:75,685,403, G>A on the plus strand (C>T on the coding strand, the complement: POC5 is on the minus strand). VCF-style: chr5-75685403-G-A. GRCh37 (hg19) VCF-style: chr5-74981228-G-A.
Other names: c.1136C>T, p.Ser379Leu (NM_152408.3); short protein forms S379L, S404L.
Identifiers: ClinVar variation 3899921 (VCV003899921.1).
Genomic context (GRCh38, chr5:75,685,403, plus strand): 5'-ACGGCGGCTGGTGGGGATGGCAGCAGTGGTGATGTAACTGGTAAGGGCATCGGAGGAGCT[G>A]AAGGATCCAAATGAGCAGAATGTTCTTTTCCTTGAACACCAGGACCATACTCTTCCTTTT-3'
Protein context (NP_001092741.1, residues 394-414): GKEHSAHLDP[Ser404Leu]APPMPLPVTS